The following is an entry in ClinVar:

ClinVar aggregate classification (germline): Uncertain significance (1 of 4 stars; one submission).

Allele frequency attached by ClinVar (database versions not stated): gnomAD exomes 0.00001; TOPMed 0.00002; gnomAD 0.00003.
gnomAD v4.1: 13 of 1,205,009 alleles (0.0011%); highest among the groups gnomAD compares: South Asian, 0.0088%; no homozygotes.

Submission:

CeGaT Center for Human Genetics Tuebingen
Classification: Uncertain significance. Last evaluated: 2024-01-01. Review status: criteria provided, single submitter. Criteria: CeGaT Center For Human Genetics Tuebingen Variant Classification Criteria Version 2. Collection method: clinical testing. Allele origin: germline. Affected: yes. Observed: 1 variant allele.
Comment: HUWE1: PM2:Supporting, BP4

NM_031407.7(HUWE1):c.1243-7G>A

Gene: HUWE1 (HECT, UBA and WWE domain containing E3 ubiquitin protein ligase 1; minus strand). Cytogenetic location: Xp11.22.
Variant type: single nucleotide variant.
Coding change: c.1243-7G>A on transcript NM_031407.7 (MANE Select); 7 bases into the intron before coding-DNA position 1243, G replaced by A.
Molecular consequence: intron variant.
Genome position (GRCh38, 1-based): chrX:53,627,886, C>T on the plus strand (G>A on the coding strand, the complement: HUWE1 is on the minus strand). VCF-style: chrX-53627886-C-T. GRCh37 (hg19) VCF-style: chrX-53654837-C-T.
Identifiers: ClinVar variation 3026381 (VCV003026381.22), dbSNP rs1412489962, ClinGen allele CA641553053.